The following is an entry in ClinVar:

NM_002386.4(MC1R):c.449T>A (p.Leu150Gln)

Gene: MC1R (melanocortin 1 receptor; plus strand). Cytogenetic location: 16q24.3.
Variant type: single nucleotide variant.
Coding change: c.449T>A on transcript NM_002386.4 (MANE Select); coding-DNA position 449, T replaced by A.
Protein change: p.Leu150Gln; replaces leucine 150 with glutamine.
Molecular consequence: missense variant.
Genome position (GRCh38, 1-based): chr16:89,919,707, T>A. VCF-style: chr16-89919707-T-A. GRCh37 (hg19) VCF-style: chr16-89986115-T-A.
Other names: short protein forms L150Q.
Identifiers: ClinVar variation 3702768 (VCV003702768.2).
Genomic context (GRCh38, chr16:89,919,707, plus strand): 5'-CCAGCCTCTGCTTCCTGGGCGCCATCGCCGTGGACCGCTACATCTCCATCTTCTACGCAC[T>A]GCGCTACCACAGCATCGTGACCCTGCCGCGGGCGCGGCGAGCCGTTGCGGCCATCTGGGT-3'
Protein context (NP_002377.4, residues 140-160): VDRYISIFYA[Leu150Gln]RYHSIVTLPR

ClinVar aggregate classification (germline): Uncertain significance (1 of 4 stars; one submission).

Conditions:
Melanoma, cutaneous malignant, susceptibility to, 5. Also called: Cutaneous malignant melanoma 5. Identifiers: Orphanet 618, MedGen C2751295, MONDO:0013133, OMIM 613099.

gnomAD v4.1: 1 of 1,606,432 alleles (0.000062%); highest among the groups gnomAD compares: East Asian, 0.0022%; no homozygotes.

Submission:

Labcorp Genetics (formerly Invitae), Labcorp
Classification: Uncertain significance for Melanoma, cutaneous malignant, susceptibility to, 5. Last evaluated: 2024-02-08. Review status: criteria provided, single submitter. Criteria: Invitae Variant Classification Sherloc (09022015). Collection method: clinical testing. Allele origin: germline.
Comment: This sequence change replaces leucine, which is neutral and non-polar, with glutamine, which is neutral and polar, at codon 150 of the MC1R protein (p.Leu150Gln). This variant is not present in population databases (gnomAD no frequency). This variant has not been reported in the literature in individuals affected with MC1R-related conditions. Advanced modeling of protein sequence and biophysical properties (such as structural, functional, and spatial information, amino acid conservation, physicochemical variation, residue mobility, and thermodynamic stability) performed at Invitae indicates that this missense variant is expected to disrupt MC1R protein function with a positive predictive value of 80%. In summary, the available evidence is currently insufficient to determine the role of this variant in disease. Therefore, it has been classified as a Variant of Uncertain Significance.